The following is an entry in ClinVar:

NM_006206.6(PDGFRA):c.2977T>A (p.Tyr993Asn)

Gene: PDGFRA (platelet derived growth factor receptor alpha; plus strand). Cytogenetic location: 4q12.
Variant type: single nucleotide variant.
Coding change: c.2977T>A on transcript NM_006206.6 (MANE Select); coding-DNA position 2977, T replaced by A.
Protein change: p.Tyr993Asn; replaces tyrosine 993 with asparagine.
Molecular consequence: missense variant.
Genome position (GRCh38, 1-based): chr4:54,290,409, T>A. VCF-style: chr4-54290409-T-A. GRCh37 (hg19) VCF-style: chr4-55156576-T-A.
Other names: c.2977T>A (NM_006206.5); c.3052T>A, p.Tyr1018Asn (NM_001347828.2); c.2977T>A, p.Tyr993Asn (NM_001347829.2); c.3016T>A, p.Tyr1006Asn (NM_001347830.2); short protein forms Y1018N, Y1006N, Y993N.
Identifiers: ClinVar variation 664001 (VCV000664001.14), dbSNP rs952413151, ClinGen allele CA96830171.

ClinVar aggregate classification (germline): Uncertain significance. Review status: criteria provided, multiple submitters, no conflicts (2 of 4 stars). 4 submissions from 4 submitters: Uncertain significance (3). 1 of the submissions does not count toward it. Last evaluated 2026-01-28.

Conditions:
Gastrointestinal stromal tumor. Also called: Gastrointestinal stromal tumor, somatic; Gastrointestinal stroma tumor. Identifiers: Orphanet 44890, MedGen C0238198, MeSH D046152, MONDO:0011719, OMIM 606764, HP:0100723.
Hereditary cancer-predisposing syndrome. Also called: Neoplastic Syndromes, Hereditary; Tumor predisposition; Hereditary Cancer Syndrome; Hereditary neoplastic syndrome. Identifiers: Orphanet 140162, MedGen C0027672, MeSH D009386, MONDO:0015356.
PDGFRA-related disorder. Also called: PDGFRA-related condition.

Allele frequency attached by ClinVar (database versions not stated): gnomAD exomes below 0.00001; gnomAD 0.00001; TOPMed 0.00001.
gnomAD v4.1: 13 of 1,613,860 alleles (0.00081%); highest among the groups gnomAD compares: Non-Finnish European, 0.0011%; no homozygotes.

Submissions (4):

Labcorp Genetics (formerly Invitae), Labcorp
Classification: Uncertain significance for Gastrointestinal stromal tumor. Last evaluated: 2026-01-28. Review status: criteria provided, single submitter. Criteria: Invitae Variant Classification Sherloc (09022015). Collection method: clinical testing. Allele origin: germline.
Comment: This sequence change replaces tyrosine, which is neutral and polar, with asparagine, which is neutral and polar, at codon 993 of the PDGFRA protein (p.Tyr993Asn). This variant is present in population databases (no rsID available, gnomAD 0.0009%). This variant has not been reported in the literature in individuals affected with PDGFRA-related conditions. ClinVar contains an entry for this variant (Variation ID: 664001). Invitae Evidence Modeling of protein sequence and biophysical properties (such as structural, functional, and spatial information, amino acid conservation, physicochemical variation, residue mobility, and thermodynamic stability) indicates that this missense variant is not expected to disrupt PDGFRA protein function with a negative predictive value of 80%. In summary, the available evidence is currently insufficient to determine the role of this variant in disease. Therefore, it has been classified as a Variant of Uncertain Significance.

Ambry Genetics
Classification: Uncertain significance for Hereditary cancer-predisposing syndrome. Last evaluated: 2024-12-08. Review status: criteria provided, single submitter. Criteria: Ambry Variant Classification Scheme 2023. Collection method: clinical testing. Allele origin: germline.
Comment: The p.Y993N variant (also known as c.2977T>A), located in coding exon 21 of the PDGFRA gene, results from a T to A substitution at nucleotide position 2977. The tyrosine at codon 993 is replaced by asparagine, an amino acid with dissimilar properties. This amino acid position is conserved. In addition, the in silico prediction for this alteration is inconclusive. Since supporting evidence is limited at this time, the clinical significance of this alteration remains unclear.

Sema4
Classification: Uncertain significance for Hereditary cancer-predisposing syndrome. Last evaluated: 2021-05-19. Review status: criteria provided, single submitter. Criteria: Sema4 Curation Guidelines. Collection method: curation. Allele origin: germline.
Comment: The PDGFRA c.2977T>A (p.Y993N) variant has not been reported in the literature to our knowledge. It was observed in 1/113626 chromosomes of the European (non-Finnish) subpopulation in the large and broad cohorts of the Genome Aggregation Database (PMID: 32461654) and has been reported in ClinVar (Variation ID 664001). In silico tools suggest the impact of the variant on protein function is inconclusive, though these predictions have not been confirmed by functional studies. The evidence is insufficient to meet ACMG/AMP criteria for classifying the variant as benign or pathogenic. Thus, the clinical significance of this variant is currently uncertain.

PreventionGenetics, part of Exact Sciences
Classification: Uncertain significance for PDGFRA-related condition. Last evaluated: 2024-04-12. Review status: no assertion criteria provided. Collection method: clinical testing. Allele origin: germline. Not counted in ClinVar's aggregate classification.
Comment: The PDGFRA c.2977T>A variant is predicted to result in the amino acid substitution p.Tyr993Asn. To our knowledge, this variant has not been reported in the literature. This variant is reported in 0.00088% of alleles in individuals of European (Non-Finnish) descent in gnomAD and is classified as a variant of uncertain significance by multiple submitters in ClinVar. At this time, the clinical significance of this variant is uncertain due to the absence of conclusive functional and genetic evidence.